The following is an entry in ClinVar:

ClinVar aggregate classification (germline): Uncertain significance (1 of 4 stars; one submission).

Conditions:
Reticular dysgenesis. Also called: ALEUKOCYTOSIS; CONGENITAL ALEUKIA; HEMATOPOIETIC HYPOPLASIA, GENERALIZED; RETICULAR DYSGENESIA; SEVERE COMBINED IMMUNODEFICIENCY WITH LEUKOPENIA; DeVaal disease. Identifiers: Orphanet 33355, MedGen C0272167, MONDO:0009973, OMIM 267500.

Allele frequency attached by ClinVar (database versions not stated): TOPMed 0.00001.

Submission:

Labcorp Genetics (formerly Invitae), Labcorp
Classification: Uncertain significance for Reticular dysgenesis. Last evaluated: 2021-08-26. Review status: criteria provided, single submitter. Criteria: Invitae Variant Classification Sherloc (09022015). Collection method: clinical testing. Allele origin: germline.
Comment: This sequence change replaces methionine with threonine at codon 163 of the AK2 protein (p.Met163Thr). The methionine residue is highly conserved and there is a moderate physicochemical difference between methionine and threonine. This variant is not present in population databases (ExAC no frequency). This variant has not been reported in the literature in individuals affected with AK2-related conditions. Algorithms developed to predict the effect of missense changes on protein structure and function (SIFT, PolyPhen-2, Align-GVGD) all suggest that this variant is likely to be disruptive. In summary, the available evidence is currently insufficient to determine the role of this variant in disease. Therefore, it has been classified as a Variant of Uncertain Significance.

NM_001625.4(AK2):c.488T>C (p.Met163Thr)

Gene: AK2 (adenylate kinase 2; minus strand). Cytogenetic location: 1p35.1.
Variant type: single nucleotide variant.
Coding change: c.488T>C on transcript NM_001625.4 (MANE Select); coding-DNA position 488, T replaced by C.
Protein change: p.Met163Thr; replaces methionine 163 with threonine.
Molecular consequence: missense variant. On other transcripts: synonymous variant (1), non-coding transcript variant (1).
Genome position (GRCh38, 1-based): chr1:33,014,532, A>G on the plus strand (T>C on the coding strand, the complement: AK2 is on the minus strand). VCF-style: chr1-33014532-A-G. GRCh37 (hg19) VCF-style: chr1-33480133-A-G.
Other names: c.464T>C, p.Met155Thr (NM_001199199.3); c.344T>C, p.Met115Thr (NM_001319139.3, NM_001319140.2); c.488T>C, p.Met163Thr (NM_001319141.3, NM_013411.5); c.362T>C, p.Met121Thr (NM_001319142.3); c.393T>C, p.His131= (NM_001319143.2); short protein forms M121T, M115T, M155T, M163T.
Identifiers: ClinVar variation 652357 (VCV000652357.6), dbSNP rs1017955673, ClinGen allele CA339700478.